The following is an entry in ClinVar:

NM_001184900.3(CARD8):c.1510A>G (p.Ser504Gly)

Gene: CARD8 (caspase recruitment domain family member 8; minus strand). Cytogenetic location: 19q13.33.
Variant type: single nucleotide variant.
Coding change: c.1510A>G on transcript NM_001184900.3 (MANE Select); coding-DNA position 1510, A replaced by G.
Protein change: p.Ser504Gly; replaces serine 504 with glycine.
Molecular consequence: missense variant. On other transcripts: 3 prime UTR variant (7), non-coding transcript variant (3), intron variant (1).
Genome position (GRCh38, 1-based): chr19:48,211,814, T>C on the plus strand (A>G on the coding strand, the complement: CARD8 is on the minus strand). VCF-style: chr19-48211814-T-C. GRCh37 (hg19) VCF-style: chr19-48715071-T-C.
Other names: c.1360A>G, p.Ser454Gly (NM_001184901.1, NM_001351783.2, NM_014959.5); c.*189A>G (NM_001184902.2, NM_001184903.1, NM_001351788.2 and 4 more transcripts); c.1510A>G, p.Ser504Gly (NM_001351782.2); c.1195A>G, p.Ser399Gly (NM_001351784.2); c.1174A>G, p.Ser392Gly (NM_001351786.2); c.1192A>G, p.Ser398Gly (NM_001365950.1); c.1033+3526A>G (NM_001351787.2); short protein forms S392G, S504G, S399G, S398G, S454G.
Identifiers: ClinVar variation 3715262 (VCV003715262.2).

ClinVar aggregate classification (germline): Uncertain significance (1 of 4 stars; one submission).

gnomAD v4.1: 43 of 1,614,168 alleles (0.0027%); highest among the groups gnomAD compares: South Asian, 0.043%; no homozygotes.

Submission:

Labcorp Genetics (formerly Invitae), Labcorp
Classification: Uncertain significance. Last evaluated: 2024-12-10. Review status: criteria provided, single submitter. Criteria: Invitae Variant Classification Sherloc (09022015). Collection method: clinical testing. Allele origin: germline.
Comment: This sequence change replaces serine, which is neutral and polar, with glycine, which is neutral and non-polar, at codon 454 of the CARD8 protein (p.Ser454Gly). This variant is present in population databases (rs558188524, gnomAD 0.06%), and has an allele count higher than expected for a pathogenic variant. This variant has not been reported in the literature in individuals affected with CARD8-related conditions. An algorithm developed to predict the effect of missense changes on protein structure and function (PolyPhen-2) suggests that this variant is likely to be tolerated. In summary, the available evidence is currently insufficient to determine the role of this variant in disease. Therefore, it has been classified as a Variant of Uncertain Significance.